The following is an entry in ClinVar:

ClinVar aggregate classification (germline): not provided (0 of 4 stars; one submission).

Conditions:
Familial long QT syndrome (RWS). Also called: Congenital long QT syndrome; Romano-Ward syndrome; VENTRICULAR FIBRILLATION WITH PROLONGED QT INTERVAL. Identifiers: Orphanet 768, MedGen C1141890, MONDO:0019171.

Submission:

Cardiovascular Biomedical Research Unit, Royal Brompton & Harefield NHS Foundation Trust
No classification provided. Condition: Familial long QT syndrome. Review status: no classification provided. Collection method: literature only. Allele origin: germline.
Comment: This variant has been reported as associated with Long QT syndrome in the following publications (PMID:16414944). This is a literature report, and does not necessarily reflect the clinical interpretation of the Imperial College / Royal Brompton Cardiovascular Genetics laboratory.

Literature cited by the submitters: PubMed 16414944; PubMed 22581653.

NM_000238.4(KCNH2):c.174G>C (p.Glu58Asp)

Gene: KCNH2 (potassium voltage-gated channel subfamily H member 2; minus strand). Cytogenetic location: 7q36.1.
Variant type: single nucleotide variant.
Coding change: c.174G>C on transcript NM_000238.4 (MANE Select); coding-DNA position 174, G replaced by C.
Protein change: p.Glu58Asp; replaces glutamic acid 58 with aspartic acid.
Molecular consequence: missense variant.
Genome position (GRCh38, 1-based): chr7:150,974,844, C>G on the plus strand (G>C on the coding strand, the complement: KCNH2 is on the minus strand). VCF-style: chr7-150974844-C-G. GRCh37 (hg19) VCF-style: chr7-150671932-C-G.
Other names: c.174G>C (LRG_288t1); c.-4G>C (NM_001406755.1); c.174G>C, p.Glu58Asp (NM_172056.3); short protein forms E58D.
Identifiers: ClinVar variation 67260 (VCV000067260.3), dbSNP rs199473492, ClinGen allele CA005364.